The following is an entry in ClinVar:

ClinVar aggregate classification (germline): Uncertain significance. Review status: criteria provided, multiple submitters, no conflicts (2 of 4 stars). 4 submissions from 4 submitters: Uncertain significance (4). Last evaluated 2025-10-06.

Conditions:
Hereditary cancer-predisposing syndrome. Also called: Hereditary neoplastic syndrome; Hereditary Cancer Syndrome; Neoplastic Syndromes, Hereditary; Tumor predisposition. Identifiers: Orphanet 140162, MedGen C0027672, MeSH D009386, MONDO:0015356.
Familial adenomatous polyposis 1 (FAP1). Also called: FAMILIAL ADENOMATOUS POLYPOSIS 1, ATTENUATED; POLYPOSIS, ADENOMATOUS INTESTINAL. Identifiers: MedGen C2713442, MONDO:0021056, OMIM 175100. Disease mechanism: loss of function.

Allele frequency attached by ClinVar (database versions not stated): gnomAD exomes below 0.00001; gnomAD 0.00001; TOPMed 0.00001.
gnomAD v4.1: 4 of 1,613,054 alleles (0.00025%); highest among the groups gnomAD compares: Non-Finnish European, 0.00034%; no homozygotes.

Submissions (4):

Color Diagnostics, LLC DBA Color Health
Classification: Uncertain significance for Hereditary cancer-predisposing syndrome. Last evaluated: 2025-10-06. Review status: criteria provided, single submitter. Criteria: ACMG Guidelines, 2015. Collection method: clinical testing. Allele origin: germline.
Comment: This missense variant replaces threonine with isoleucine at codon 1248 of the APC protein. Computational prediction suggests that this variant may not impact protein structure and function. APC is defined as a gene for which primarily truncating variants are known to cause disease (ClinGen HCCP VCEP). To our knowledge, functional studies have not been reported for this variant. This variant has not been reported in individuals affected with APC-related disorders in the literature. This variant has been identified in 4/1613054 chromosomes in the general population by the Genome Aggregation Database (gnomAD). The available evidence is insufficient to determine the role of this variant in disease conclusively. Therefore, this variant is classified as a Variant of Uncertain Significance.

Labcorp Genetics (formerly Invitae), Labcorp
Classification: Uncertain significance for Familial adenomatous polyposis 1. Last evaluated: 2025-09-17. Review status: criteria provided, single submitter. Criteria: Invitae Variant Classification Sherloc (09022015). Collection method: clinical testing. Allele origin: germline.
Comment: This sequence change replaces threonine, which is neutral and polar, with isoleucine, which is neutral and non-polar, at codon 1248 of the APC protein (p.Thr1248Ile). This variant is present in population databases (no rsID available, gnomAD 0.0009%). This variant has not been reported in the literature in individuals affected with APC-related conditions. ClinVar contains an entry for this variant (Variation ID: 236594). Invitae Evidence Modeling of protein sequence and biophysical properties (such as structural, functional, and spatial information, amino acid conservation, physicochemical variation, residue mobility, and thermodynamic stability) indicates that this missense variant is not expected to disrupt APC protein function with a negative predictive value of 95%. In summary, the available evidence is currently insufficient to determine the role of this variant in disease. Therefore, it has been classified as a Variant of Uncertain Significance.

Ambry Genetics
Classification: Uncertain significance for Hereditary cancer-predisposing syndrome. Last evaluated: 2025-04-01. Review status: criteria provided, single submitter. Criteria: Ambry Variant Classification Scheme 2023. Collection method: clinical testing. Allele origin: germline.
Comment: The p.T1248I variant (also known as c.3743C>T), located in coding exon 15 of the APC gene, results from a C to T substitution at nucleotide position 3743. The threonine at codon 1248 is replaced by isoleucine, an amino acid with similar properties. Missense alterations in APC are not a common cause of disease (Spier I et al. Genet Med. 2024 Feb;26(2):100992). This amino acid position is poorly conserved in available vertebrate species. In addition, in silico predictors for this gene do not accurately predict pathogenicity. Based on the available evidence, the clinical significance of this variant remains unclear.

GeneDx
Classification: Uncertain significance. Last evaluated: 2016-09-18. Review status: criteria provided, single submitter. Criteria: GeneDx Variant Classification (06012015). Collection method: clinical testing. Allele origin: germline. Affected: yes.
Comment: This variant is denoted APC c.3743C>T at the cDNA level, p.Thr1248Ile (T1248I) at the protein level, and results in the change of a Threonine to an Isoleucine (ACT>ATT). This variant has not, to our knowledge, been published in the literature as pathogenic or benign. APC Thr1248Ile was not observed in approximately 6,500 individuals of European and African American ancestry in the NHLBI Exome Sequencing Project, suggesting it is not a common benign variant in these populations. Since Threonine and Isoleucine differ in polarity, charge, size or other properties, this is considered a non-conservative amino acid substitution. APC Thr1248Ile occurs at a position that is not conserved and is located within the Ser-rich region responsible for down-regulation through a process mediated by direct ubiquitination (UniProt). In silico analyses are inconsistent regarding the effect this variant may have on protein structure and function. Based on currently available evidence, it is unclear whether APC Thr1248Ile is a pathogenic or benign variant. We consider it to be a variant of uncertain significance.

NM_000038.6(APC):c.3743C>T (p.Thr1248Ile)

Gene: APC (APC regulator of Wnt signaling pathway; plus strand). Cytogenetic location: 5q22.2.
Variant type: single nucleotide variant.
Coding change: c.3743C>T on transcript NM_000038.6 (MANE Select); coding-DNA position 3743, C replaced by T.
Protein change: p.Thr1248Ile; replaces threonine 1248 with isoleucine.
Molecular consequence: missense variant.
Genome position (GRCh38, 1-based): chr5:112,839,337, C>T. VCF-style: chr5-112839337-C-T. GRCh37 (hg19) VCF-style: chr5-112175034-C-T.
Other names: c.3743C>T, p.Thr1248Ile (NM_001127510.3, NM_001354895.2); c.3689C>T, p.Thr1230Ile (NM_001127511.3); c.3797C>T, p.Thr1266Ile (NM_001354896.2); c.3773C>T, p.Thr1258Ile (NM_001354897.2); c.3668C>T, p.Thr1223Ile (NM_001354898.2); c.3659C>T, p.Thr1220Ile (NM_001354899.2); c.3620C>T, p.Thr1207Ile (NM_001354900.2); c.3566C>T, p.Thr1189Ile (NM_001354901.2); and 5 more; short protein forms T1230I, T1248I, T1122I, T1189I, T1207I, T1258I, T1088I, T1220I.
Identifiers: ClinVar variation 236594 (VCV000236594.20), dbSNP rs878853441, ClinGen allele CA10582310.